The following is an entry in ClinVar:

NM_017617.5(NOTCH1):c.4652G>T (p.Ser1551Ile)

Gene: NOTCH1 (notch receptor 1; minus strand). Cytogenetic location: 9q34.3.
Variant type: single nucleotide variant.
Coding change: c.4652G>T on transcript NM_017617.5 (MANE Select); coding-DNA position 4652, G replaced by T.
Protein change: p.Ser1551Ile; replaces serine 1551 with isoleucine.
Molecular consequence: missense variant.
Genome position (GRCh38, 1-based): chr9:136,505,039, C>A on the plus strand (G>T on the coding strand, the complement: NOTCH1 is on the minus strand). VCF-style: chr9-136505039-C-A. GRCh37 (hg19) VCF-style: chr9-139399491-C-A.
Other names: c.4652G>T, p.Ser1551Ile (LRG_1122t1); short protein forms S1551I.
Identifiers: ClinVar variation 264333 (VCV000264333.18), dbSNP rs774068657, ClinGen allele CA5340547.

ClinVar aggregate classification (germline): Conflicting classifications of pathogenicity. Review status: criteria provided, conflicting classifications (1 of 4 stars). 4 submissions from 3 submitters: Uncertain significance (3); Benign (1). Last evaluated 2025-12-10.

Conditions:
Aortic valve disease 1 (AOVD1). Identifiers: MedGen C3887892, MONDO:0024523, OMIM 109730.
Adams-Oliver syndrome 5 (AOS5). Identifiers: Orphanet 974, MedGen C4014970, MONDO:0014459, OMIM 616028.
Familial thoracic aortic aneurysm and aortic dissection (TAAD). Also called: Thoracic aortic aneurysms and dissections. Identifiers: Orphanet 91387, MedGen C4707243, MONDO:0019625.

Allele frequency attached by ClinVar (database versions not stated): gnomAD exomes 0.00004 and 0.00009; TOPMed 0.00008; ExAC 0.00014.
gnomAD v4.1: 24 of 1,610,388 alleles (0.0015%); highest among the groups gnomAD compares: Admixed American, 0.04%; no homozygotes.

Submissions (4):

Labcorp Genetics (formerly Invitae), Labcorp
Classification: Benign for Adams-Oliver syndrome 5. Last evaluated: 2025-12-10. Review status: criteria provided, single submitter. Criteria: Invitae Variant Classification Sherloc (09022015). Collection method: clinical testing. Allele origin: germline.

Ambry Genetics
Classification: Uncertain significance for Familial thoracic aortic aneurysm and aortic dissection. Last evaluated: 2025-09-12. Review status: criteria provided, single submitter. Criteria: Ambry Variant Classification Scheme 2023. Collection method: clinical testing. Allele origin: germline.
Comment: The p.S1551I variant (also known as c.4652G>T), located in coding exon 26 of the NOTCH1 gene, results from a G to T substitution at nucleotide position 4652. The serine at codon 1551 is replaced by isoleucine, an amino acid with dissimilar properties. This amino acid position is poorly conserved in available vertebrate species. In addition, this alteration is predicted to be tolerated by in silico analysis. Since supporting evidence is limited at this time, the clinical significance of this alteration remains unclear.

Genome-Nilou Lab
Classification: Uncertain significance for Adams-Oliver syndrome 5. Last evaluated: 2022-03-15. Review status: criteria provided, single submitter. Criteria: ACMG Guidelines, 2015. Collection method: clinical testing. Allele origin: germline. Affected: no.

Genome-Nilou Lab
Classification: Uncertain significance for Aortic valve disease 1. Last evaluated: 2022-03-15. Review status: criteria provided, single submitter. Criteria: ACMG Guidelines, 2015. Collection method: clinical testing. Allele origin: germline. Affected: no.